The following is an entry in ClinVar:

ClinVar aggregate classification (germline): Uncertain significance. Review status: criteria provided, multiple submitters, no conflicts (2 of 4 stars). 3 submissions from 3 submitters: Uncertain significance (3). Last evaluated 2022-08-23.

Conditions:
Inborn genetic diseases. Identifiers: MedGen C0950123, MeSH D030342.
Congenital adrenal hyperplasia due to cytochrome P450 oxidoreductase deficiency. Also called: DISORDERED STEROIDOGENESIS DUE TO POR DEFICIENCY. Identifiers: Orphanet 95699, MedGen C1860042, MONDO:0013310, OMIM 613571.

Allele frequency attached by ClinVar (database versions not stated): gnomAD 0.00002; TOPMed 0.00004; gnomAD exomes 0.00005; ExAC 0.00020.
gnomAD v4.1: 82 of 1,565,458 alleles (0.0052%); highest among the groups gnomAD compares: Middle Eastern, 0.018%; no homozygotes.

Submissions (3):

Labcorp Genetics (formerly Invitae), Labcorp
Classification: Uncertain significance for Congenital adrenal hyperplasia due to cytochrome P450 oxidoreductase deficiency. Last evaluated: 2022-08-23. Review status: criteria provided, single submitter. Criteria: Invitae Variant Classification Sherloc (09022015). Collection method: clinical testing. Allele origin: germline.
Comment: This sequence change replaces arginine, which is basic and polar, with glutamine, which is neutral and polar, at codon 194 of the POR protein (p.Arg194Gln). The frequency data for this variant in the population databases is considered unreliable, as metrics indicate poor data quality at this position in the gnomAD database. This variant has not been reported in the literature in individuals affected with POR-related conditions. ClinVar contains an entry for this variant (Variation ID: 373418). Algorithms developed to predict the effect of missense changes on protein structure and function are either unavailable or do not agree on the potential impact of this missense change (SIFT: "Deleterious"; PolyPhen-2: "Benign"; Align-GVGD: "Class C35"). In summary, the available evidence is currently insufficient to determine the role of this variant in disease. Therefore, it has been classified as a Variant of Uncertain Significance.

Ambry Genetics
Classification: Uncertain significance for Inborn genetic diseases. Last evaluated: 2021-12-02. Review status: criteria provided, single submitter. Criteria: Ambry Variant Classification Scheme 2023. Collection method: clinical testing. Allele origin: germline.

GeneDx
Classification: Uncertain significance. Last evaluated: 2016-12-07. Review status: criteria provided, single submitter. Criteria: GeneDx Variant Classification (06012015). Collection method: clinical testing. Allele origin: germline. Affected: yes.
Comment: The R194Q variant in the POR gene has not been reported previously as a pathogenic variant, nor as a benign variant, to our knowledge. The R194Q variant was not observed in approximately 6200 individuals of European and African American ancestry in the NHLBI Exome Sequencing Project, indicating it is not a common benign variant in these populations. The R194Q variant is a semi-conservative amino acid substitution, which may impact secondary protein structure as these residues differ in some properties. This substitution also occurs at a position that is conserved across mammalian species, and in silico analysis predicts this variant is probably damaging to the protein structure/function. We interpret R194Q as a variant of uncertain significance.

NM_001395413.1(POR):c.572G>A (p.Arg191Gln)

Gene: POR (cytochrome p450 oxidoreductase; plus strand). Cytogenetic location: 7q11.23.
Variant type: single nucleotide variant.
Coding change: c.572G>A on transcript NM_001395413.1 (MANE Select); coding-DNA position 572, G replaced by A.
Protein change: p.Arg191Gln; replaces arginine 191 with glutamine.
Molecular consequence: missense variant.
Genome position (GRCh38, 1-based): chr7:75,981,112, G>A. VCF-style: chr7-75981112-G-A. GRCh37 (hg19) VCF-style: chr7-75610430-G-A.
Other names: c.572G>A, p.Arg191Gln (NM_001367562.3, NM_001382657.2, NM_001382658.3 and 2 more transcripts); c.626G>A, p.Arg209Gln (NM_001382655.3); short protein forms R191Q, R209Q.
Identifiers: ClinVar variation 373418 (VCV000373418.4), dbSNP rs769916309, ClinGen allele CA4303734.